The following is an entry in ClinVar:

NM_002485.5(NBN):c.2131CAT[1] (p.His712del)

Gene: NBN (nibrin; minus strand). Cytogenetic location: 8q21.3.
Variant type: Microsatellite.
Coding change: c.2131CAT[1] on transcript NM_002485.5 (MANE Select); one copy of the 3-base unit CAT starting at c.2131; the reference has two copies in a row; one copy, 3 bases deleted; also written c.2134_2136del.
Protein change: p.His712del; deletes histidine 712.
Molecular consequence: inframe deletion.
Genome position (GRCh38, 1-based): chr8:89,943,301-89,943,303, ATG deleted on the plus strand (CAT on the coding strand, the reverse complement: NBN is on the minus strand); deleting any 3 consecutive bases within chr8:89,943,301-89,943,307 gives the same sequence; the position shown is the placement nearest the transcript's 3' end. VCF-style (leftmost placement, unchanged base first): chr8-89943300-CATG-C. GRCh37 (hg19) VCF-style: chr8-90955528-CATG-C.
Other names: c.2134_2136delCAT (NM_002485.4); c.1885CAT[1], p.His630del (NM_001024688.3); c.2134_2136del (NM_002485.5); short protein forms H712del, H630del.
Identifiers: ClinVar variation 188137 (VCV000188137.17), dbSNP rs786204096, ClinGen allele CA334142.

ClinVar aggregate classification (germline): Uncertain significance. Review status: criteria provided, multiple submitters, no conflicts (2 of 4 stars). 3 submissions from 3 submitters: Uncertain significance (3). Last evaluated 2024-07-11.

Conditions:
Hereditary cancer-predisposing syndrome. Also called: Hereditary Cancer Syndrome; Neoplastic Syndromes, Hereditary; Tumor predisposition; Hereditary neoplastic syndrome. Identifiers: Orphanet 140162, MedGen C0027672, MeSH D009386, MONDO:0015356.
Microcephaly, normal intelligence and immunodeficiency (NBS). Also called: IMMUNODEFICIENCY, MICROCEPHALY, AND CHROMOSOMAL INSTABILITY; SEEMANOVA SYNDROME II; Immunodeficiency, microcephaly with normal intelligence; Ataxia telangiectasia variant V1; Nijmegen breakage syndrome; Microcephaly with normal intelligence immunodeficiency and lymphoreticular malignancies. Identifiers: Orphanet 647, MedGen C0398791, MONDO:0009623, OMIM 251260.
Aplastic anemia. Identifiers: Orphanet 182040, Orphanet 88, MedGen C0002874, MONDO:0015909, OMIM 609135, HP:0001915.

Submissions (3):

Ambry Genetics
Classification: Uncertain significance for Hereditary cancer-predisposing syndrome. Last evaluated: 2024-07-11. Review status: criteria provided, single submitter. Criteria: Ambry Variant Classification Scheme 2023. Collection method: clinical testing. Allele origin: germline.
Comment: The c.2134_2136delCAT variant (also known as p.H712del) is located in coding exon 14 of the NBN gene. This variant results from an in-frame CAT deletion at nucleotide positions 2134 to 2136. This results in the in-frame deletion of a histidine at codon 712. This amino acid position is well conserved in available vertebrate species. In addition, this alteration is predicted to be deleterious by in silico analysis (Choi Y et al. PLoS ONE. 2012; 7(10):e46688). Based on the available evidence, the clinical significance of this variant remains unclear.

Baylor Genetics
Classification: Uncertain significance for Aplastic anemia. Last evaluated: 2023-12-11. Review status: criteria provided, single submitter. Criteria: ACMG Guidelines, 2015. Collection method: clinical testing. Allele origin: unknown.

Labcorp Genetics (formerly Invitae), Labcorp
Classification: Uncertain significance for Microcephaly, normal intelligence and immunodeficiency. Last evaluated: 2023-08-24. Review status: criteria provided, single submitter. Criteria: Invitae Variant Classification Sherloc (09022015). Collection method: clinical testing. Allele origin: germline.
Comment: ClinVar contains an entry for this variant (Variation ID: 188137). This variant has not been reported in the literature in individuals affected with NBN-related conditions. This variant is not present in population databases (gnomAD no frequency). This variant, c.2134_2136del, results in the deletion of 1 amino acid(s) of the NBN protein (p.His712del), but otherwise preserves the integrity of the reading frame. Experimental studies and prediction algorithms are not available or were not evaluated, and the functional significance of this variant is currently unknown. In summary, the available evidence is currently insufficient to determine the role of this variant in disease. Therefore, it has been classified as a Variant of Uncertain Significance.